The following is an entry in ClinVar:

NM_005591.4(MRE11):c.373A>C (p.Ile125Leu)

Gene: MRE11 (MRE11 double strand break repair nuclease; minus strand). Cytogenetic location: 11q21.
Variant type: single nucleotide variant.
Coding change: c.373A>C on transcript NM_005591.4 (MANE Select); coding-DNA position 373, A replaced by C.
Protein change: p.Ile125Leu; replaces isoleucine 125 with leucine.
Molecular consequence: missense variant.
Genome position (GRCh38, 1-based): chr11:94,479,703, T>G on the plus strand (A>C on the coding strand, the complement: MRE11 is on the minus strand). VCF-style: chr11-94479703-T-G. GRCh37 (hg19) VCF-style: chr11-94212869-T-G.
Other names: c.373A>C, p.Ile125Leu (NM_001330347.2, NM_005590.4); short protein forms I125L.
Identifiers: ClinVar variation 1799710 (VCV001799710.2), dbSNP rs2496567014, ClinGen allele CA382378374.

ClinVar aggregate classification (germline): Uncertain significance (1 of 4 stars; one submission).

Conditions:
Hereditary cancer-predisposing syndrome. Also called: Neoplastic Syndromes, Hereditary; Tumor predisposition; Hereditary Cancer Syndrome; Hereditary neoplastic syndrome. Identifiers: Orphanet 140162, MedGen C0027672, MeSH D009386, MONDO:0015356.

Submission:

Ambry Genetics
Classification: Uncertain significance for Hereditary cancer-predisposing syndrome. Last evaluated: 2021-07-24. Review status: criteria provided, single submitter. Criteria: Ambry Variant Classification Scheme 2023. Collection method: clinical testing. Allele origin: germline.
Comment: The p.I125L variant (also known as c.373A>C), located in coding exon 4 of the MRE11A gene, results from an A to C substitution at nucleotide position 373. The isoleucine at codon 125 is replaced by leucine, an amino acid with highly similar properties. This amino acid position is conserved. In addition, the in silico prediction for this alteration is inconclusive. Since supporting evidence is limited at this time, the clinical significance of this alteration remains unclear.